The following is an entry in ClinVar:

NM_002568.4(PABPC1):c.1062C>T (p.Asn354=)

Gene: PABPC1 (poly(A) binding protein cytoplasmic 1; minus strand). Cytogenetic location: 8q22.3.
Variant type: single nucleotide variant.
Coding change: c.1062C>T on transcript NM_002568.4 (MANE Select); coding-DNA position 1062, C replaced by T.
Protein change: p.Asn354=; no amino-acid change (asparagine 354 retained).
Molecular consequence: synonymous variant.
Genome position (GRCh38, 1-based): chr8:100,709,642, G>A on the plus strand (C>T on the coding strand, the complement: PABPC1 is on the minus strand). VCF-style: chr8-100709642-G-A. GRCh37 (hg19) VCF-style: chr8-101721870-G-A.
Identifiers: ClinVar variation 3356872 (VCV003356872.1).

ClinVar aggregate classification (germline): Likely benign (0 of 4 stars; one submission).

Conditions:
PABPC1-related condition.

Submission:

PreventionGenetics, part of Exact Sciences
Classification: Likely benign for PABPC1-related condition. Last evaluated: 2024-09-16. Review status: no assertion criteria provided. Collection method: clinical testing. Allele origin: germline.
Comment: This variant is classified as likely benign based on ACMG/AMP sequence variant interpretation guidelines (Richards et al. 2015 PMID: 25741868, with internal and published modifications).